The following is an entry in ClinVar:

ClinVar aggregate classification (germline): Conflicting classifications of pathogenicity. Review status: criteria provided, conflicting classifications (1 of 4 stars). 2 submissions from 2 submitters: Pathogenic (1); Uncertain significance (1). Last evaluated 2025-07-23.

Conditions:
Osteogenesis imperfecta with normal sclerae, dominant form (OI4). Also called: OSTEOGENESIS IMPERFECTA, TYPE IV, WITH DENTINOGENESIS IMPERFECTA; OSTEOGENESIS IMPERFECTA WITH NORMAL SCLERAE; Osteogenesis imperfecta type 4; Common Variable Osteogenesis Imperfecta with Normal Sclerae; Osteogenesis Imperfecta Type IV. Identifiers: Orphanet 216820, Orphanet 666, MedGen C0268363, MONDO:0008148, OMIM 166220.
Ehlers-Danlos syndrome, classic type, 1 (EDSCL1). Also called: Ehlers-Danlos Syndrome, Classic Type, COL5A1-Related; EHLERS-DANLOS SYNDROME, GRAVIS TYPE; EHLERS-DANLOS SYNDROME, SEVERE CLASSIC TYPE; Ehlers-Danlos syndrome, type 1; EDS I. Identifiers: MedGen C0268335, MONDO:0019567, OMIM 130000.
Osteogenesis imperfecta type I (OI1). Also called: OI, TYPE I; OSTEOGENESIS IMPERFECTA TARDA; OSTEOGENESIS IMPERFECTA WITH BLUE SCLERAE; Osteogenesis imperfecta type 1; Classic Non-deforming Osteogenesis Imperfecta with Blue Sclerae; Lobstein's Disease. Identifiers: Orphanet 216796, Orphanet 666, MedGen C0023931, MONDO:0008146, OMIM 166200. Disease mechanism: loss of function.

Submissions (2):

Labcorp Genetics (formerly Invitae), Labcorp
Classification: Pathogenic for Osteogenesis imperfecta type I; Ehlers-Danlos syndrome, classic type, 1. Last evaluated: 2025-07-23. Review status: criteria provided, single submitter. Criteria: Invitae Variant Classification Sherloc (09022015). Collection method: clinical testing. Allele origin: germline.
Comment: This sequence change replaces glycine, which is neutral and non-polar, with serine, which is neutral and polar, at codon 550 of the COL1A2 protein (p.Gly550Ser). This variant is not present in population databases (gnomAD no frequency). This missense change has been observed in individual(s) with osteogenesis imperfecta (PMID: 21488275, 27748872). This variant is also known as p.Gly460Ser. ClinVar contains an entry for this variant (Variation ID: 2136566). Invitae Evidence Modeling of protein sequence and biophysical properties (such as structural, functional, and spatial information, amino acid conservation, physicochemical variation, residue mobility, and thermodynamic stability) indicates that this missense variant is expected to disrupt COL1A2 protein function with a positive predictive value of 95%. This variant disrupts the triple helix domain of COL1A2. Glycine residues within the Gly-Xaa-Yaa repeats of the triple helix domain are required for the structure and stability of fibrillar collagens (PMID: 7695699, 8218237, 19344236). In COL1A2, variants affecting these glycine residues are significantly enriched in individuals with disease (PMID: 9016532, 17078022) compared to the general population (ExAC). For these reasons, this variant has been classified as Pathogenic.

3billion
Classification: Uncertain significance for Osteogenesis imperfecta with normal sclerae, dominant form. Last evaluated: 2023-02-23. Review status: criteria provided, single submitter. Criteria: ACMG Guidelines, 2015. Collection method: clinical testing. Allele origin: unknown. Affected: yes.
Comment: The variant is not observed in the gnomAD v2.1.1 dataset. Missense changes are a common disease-causing mechanism. In silico tool predictions suggest damaging effect of the variant on gene or gene product (REVEL: 0.99; 3Cnet: 0.92). Same nucleotide change resulting in same amino acid change has been previously reported to be associated with COL1A2-related disorder (PMID: 21488275). However, the evidence of pathogenicity is insufficient at this time. Therefore, this variant is classified as VUS according to the recommendation of ACMG/AMP guideline.

Literature cited by the submitters: PubMed 21488275 (cited by Labcorp Genetics (formerly Invitae), Labcorp and 3billion); PubMed 27748872 (cited by Labcorp Genetics (formerly Invitae), Labcorp); PubMed 7695699 (cited by Labcorp Genetics (formerly Invitae), Labcorp); PubMed 8218237 (cited by Labcorp Genetics (formerly Invitae), Labcorp); PubMed 19344236 (cited by Labcorp Genetics (formerly Invitae), Labcorp); PubMed 9016532 (cited by Labcorp Genetics (formerly Invitae), Labcorp); PubMed 17078022 (cited by Labcorp Genetics (formerly Invitae), Labcorp).

NM_000089.4(COL1A2):c.1648G>A (p.Gly550Ser)

Gene: COL1A2 (collagen type I alpha 2 chain; plus strand). Cytogenetic location: 7q21.3.
Variant type: single nucleotide variant.
Coding change: c.1648G>A on transcript NM_000089.4 (MANE Select); coding-DNA position 1648, G replaced by A.
Protein change: p.Gly550Ser; replaces glycine 550 with serine.
Molecular consequence: missense variant.
Genome position (GRCh38, 1-based): chr7:94,413,930, G>A. VCF-style: chr7-94413930-G-A. GRCh37 (hg19) VCF-style: chr7-94043242-G-A.
Other names: short protein forms G550S.
Identifiers: ClinVar variation 2136566 (VCV002136566.5), dbSNP rs2484716070, ClinGen allele CA368222289.